The following is an entry in ClinVar:

ClinVar aggregate classification (germline): Uncertain significance. Review status: criteria provided, multiple submitters, no conflicts (2 of 4 stars). 2 submissions from 2 submitters: Uncertain significance (2). Last evaluated 2024-11-05.

Conditions:
Muscular dystrophy-dystroglycanopathy (congenital with brain and eye anomalies), type A13. Also called: WALKER-WARBURG SYNDROME OR MUSCLE-EYE-BRAIN DISEASE, B3GNT1-RELATED; Muscular dystrophy-dystroglycanopathy (congenital with brain and eye anomalies), type a, 13. Identifiers: Orphanet 899, MedGen C3809042, MONDO:0014120, OMIM 615287.

Allele frequency attached by ClinVar (database versions not stated): gnomAD 0.00001; gnomAD exomes 0.00001; TOPMed 0.00001.
gnomAD v4.1: 18 of 1,573,744 alleles (0.0011%); highest among the groups gnomAD compares: East Asian, 0.0023%; 1 homozygote.

Submissions (2):

Labcorp Genetics (formerly Invitae), Labcorp
Classification: Uncertain significance for Muscular dystrophy-dystroglycanopathy (congenital with brain and eye anomalies), type A13. Last evaluated: 2024-11-05. Review status: criteria provided, single submitter. Criteria: Invitae Variant Classification Sherloc (09022015). Collection method: clinical testing. Allele origin: germline.
Comment: This sequence change replaces serine, which is neutral and polar, with glycine, which is neutral and non-polar, at codon 76 of the B4GAT1 protein (p.Ser76Gly). This variant is present in population databases (no rsID available, gnomAD 0.007%). This variant has not been reported in the literature in individuals affected with B4GAT1-related conditions. ClinVar contains an entry for this variant (Variation ID: 426572). Invitae Evidence Modeling of protein sequence and biophysical properties (such as structural, functional, and spatial information, amino acid conservation, physicochemical variation, residue mobility, and thermodynamic stability) indicates that this missense variant is not expected to disrupt B4GAT1 protein function with a negative predictive value of 80%. In summary, the available evidence is currently insufficient to determine the role of this variant in disease. Therefore, it has been classified as a Variant of Uncertain Significance.

GeneDx
Classification: Uncertain significance. Last evaluated: 2017-04-12. Review status: criteria provided, single submitter. Criteria: GeneDx Variant Classification (06012015). Collection method: clinical testing. Allele origin: germline. Affected: yes.
Comment: The S76G variant has not been published as a pathogenic variant, nor has it been reported as a benign variant to our knowledge. The S76G variant is not observed in large population cohorts (Lek et al., 2016; 1000 Genomes Consortium et al., 2015; Exome Variant Server). This variant is a non-conservative amino acid substitution, which is likely to impact secondary protein structure as these residues differ in polarity, charge, size and/or other properties. This substitution occurs at a position that is conserved across species; however, missense variants in nearby residues have not been reported in the Human Gene Mutation Database in association with WWS (Stenson et al., 2014). In silico analysis is inconsistent in its predictions as to whether or not the variant is damaging to the protein structure/function.

NM_006876.3(B4GAT1):c.226A>G (p.Ser76Gly)

Gene: B4GAT1 (beta-1,4-glucuronyltransferase 1; minus strand). Cytogenetic location: 11q13.2.
Variant type: single nucleotide variant.
Coding change: c.226A>G on transcript NM_006876.3 (MANE Select); coding-DNA position 226, A replaced by G.
Protein change: p.Ser76Gly; replaces serine 76 with glycine.
Molecular consequence: missense variant.
Genome position (GRCh38, 1-based): chr11:66,347,320, T>C on the plus strand (A>G on the coding strand, the complement: B4GAT1 is on the minus strand). VCF-style: chr11-66347320-T-C. GRCh37 (hg19) VCF-style: chr11-66114791-T-C.
Other names: short protein forms S76G.
Identifiers: ClinVar variation 426572 (VCV000426572.9), dbSNP rs1085307691, ClinGen allele CA381418838.